The following is an entry in ClinVar:

NM_001134363.3(RBM20):c.3122C>G (p.Pro1041Arg)

Gene: RBM20 (RNA binding motif protein 20; plus strand). Cytogenetic location: 10q25.2.
Variant type: single nucleotide variant.
Coding change: c.3122C>G on transcript NM_001134363.3 (MANE Select); coding-DNA position 3122, C replaced by G.
Protein change: p.Pro1041Arg; replaces proline 1041 with arginine.
Molecular consequence: missense variant.
Genome position (GRCh38, 1-based): chr10:110,821,741, C>G. VCF-style: chr10-110821741-C-G. GRCh37 (hg19) VCF-style: chr10-112581499-C-G.
Other names: short protein forms P1041R.
Identifiers: ClinVar variation 2831252 (VCV002831252.3), dbSNP rs1844914432, ClinGen allele CA378381093.

ClinVar aggregate classification (germline): Uncertain significance (1 of 4 stars; one submission).

Conditions:
Dilated cardiomyopathy 1DD (CMD1DD). Identifiers: Orphanet 154, MedGen C2750995, MONDO:0013168, OMIM 613172.

Submission:

Labcorp Genetics (formerly Invitae), Labcorp
Classification: Uncertain significance for Dilated cardiomyopathy 1DD. Last evaluated: 2023-01-23. Review status: criteria provided, single submitter. Criteria: Invitae Variant Classification Sherloc (09022015). Collection method: clinical testing. Allele origin: germline.
Comment: In summary, the available evidence is currently insufficient to determine the role of this variant in disease. Therefore, it has been classified as a Variant of Uncertain Significance. Advanced modeling of protein sequence and biophysical properties (such as structural, functional, and spatial information, amino acid conservation, physicochemical variation, residue mobility, and thermodynamic stability) performed at Invitae indicates that this missense variant is not expected to disrupt RBM20 protein function. This variant has not been reported in the literature in individuals affected with RBM20-related conditions. This variant is not present in population databases (gnomAD no frequency). This sequence change replaces proline, which is neutral and non-polar, with arginine, which is basic and polar, at codon 1041 of the RBM20 protein (p.Pro1041Arg).